The following is an entry in ClinVar:

NM_015474.4(SAMHD1):c.760A>G (p.Met254Val)

Gene: SAMHD1 (SAM and HD domain containing deoxynucleoside triphosphate triphosphohydrolase 1; minus strand). Cytogenetic location: 20q11.23.
Variant type: single nucleotide variant.
Coding change: c.760A>G on transcript NM_015474.4 (MANE Select); coding-DNA position 760, A replaced by G.
Protein change: p.Met254Val; replaces methionine 254 with valine.
Molecular consequence: missense variant.
Genome position (GRCh38, 1-based): chr20:36,919,456, T>C on the plus strand (A>G on the coding strand, the complement: SAMHD1 is on the minus strand). VCF-style: chr20-36919456-T-C. GRCh37 (hg19) VCF-style: chr20-35547859-T-C.
Other names: c.760A>G, p.Met254Val (NM_001363729.2, NM_001363733.2); short protein forms M254V.
Identifiers: ClinVar variation 4073 (VCV000004073.5), dbSNP rs121434521, ClinGen allele CA340153.

ClinVar aggregate classification (germline): Uncertain significance. Review status: criteria provided, single submitter (1 of 4 stars). 3 submissions from 3 submitters: Uncertain significance (1). 2 of the submissions do not count toward it. Last evaluated 2025-02-05.

Conditions:
Aicardi-Goutieres syndrome 5. Identifiers: Orphanet 51, MedGen C2749659, MONDO:0013059, OMIM 612952.

Submissions (3):

Women's Health and Genetics/Laboratory Corporation of America, LabCorp
Classification: Uncertain significance. Last evaluated: 2025-02-05. Review status: criteria provided, single submitter. Criteria: LabCorp Variant Classification Summary - May 2015. Collection method: clinical testing. Allele origin: germline.
Comment: Variant summary: SAMHD1 c.760A>G (p.Met254Val) results in a conservative amino acid change located in the Metal dependent phosphohydrolases with conserved 'HD' motif (IPR003607) of the encoded protein sequence. Three of five in-silico tools predict a damaging effect of the variant on protein function. The variant was absent in 251280 control chromosomes. The available data on variant occurrences in the general population are insufficient to allow any conclusion about variant significance. c.760A>G has been reported in the literature in an individual affected with Aicardi Goutieres Syndrome (Rice_2009). These data do not allow any conclusion about variant significance. At least one publication reports experimental evidence evaluating an impact on protein function and the results indicate this variant affects protein function (Goncalves_2012, White_2017) however the implication of these findings for pathogenicity is unclear at this time. The following publications have been ascertained in the context of this evaluation (PMID: 22461318, 19525956, 28229507). ClinVar contains an entry for this variant (Variation ID: 4073). Based on the evidence outlined above, the variant was classified as uncertain significance.

OMIM
Classification: Pathogenic for AICARDI-GOUTIERES SYNDROME 5. Last evaluated: 2009-07-01. Review status: no assertion criteria provided. Collection method: literature only. Allele origin: germline. Not counted in ClinVar's aggregate classification.

GeneReviews
No classification provided. Condition: Aicardi-Goutieres syndrome 5. Review status: no classification provided. Collection method: literature only. Allele origin: germline. Affected: yes. Not counted in ClinVar's aggregate classification.

Literature cited by the submitters: PubMed 22461318 (cited by Women's Health and Genetics/Laboratory Corporation of America, LabCorp); PubMed 28229507 (cited by Women's Health and Genetics/Laboratory Corporation of America, LabCorp); PubMed 19525956 (cited by Women's Health and Genetics/Laboratory Corporation of America, LabCorp and OMIM); NCBI Bookshelf NBK1475 (cited by GeneReviews).